The following is an entry in ClinVar:

ClinVar aggregate classification (germline): Likely benign (0 of 4 stars; one submission).

Conditions:
EOMES-related disorder. Also called: EOMES-related condition.

Submission:

PreventionGenetics, part of Exact Sciences
Classification: Likely benign for EOMES-related condition. Last evaluated: 2021-06-07. Review status: no assertion criteria provided. Collection method: clinical testing. Allele origin: germline.
Comment: This variant is classified as likely benign based on ACMG/AMP sequence variant interpretation guidelines (Richards et al. 2015 PMID: 25741868, with internal and published modifications).

NM_001278182.2(EOMES):c.369C>A (p.Ala123=)

Genes: EOMES (eomesodermin; minus strand), LOC129936390 (ATAC-STARR-seq lymphoblastoid silent region 14153; plus strand). Cytogenetic location: 3p24.1.
Variant type: single nucleotide variant.
Coding change: c.369C>A on transcript NM_001278182.2 (MANE Select); coding-DNA position 369, C replaced by A.
Protein change: p.Ala123=; no amino-acid change (alanine 123 retained).
Molecular consequence: synonymous variant. On other transcripts: intron variant (1).
Genome position (GRCh38, 1-based): chr3:27,721,926, G>T on the plus strand (C>A on the coding strand, the complement: EOMES is on the minus strand). VCF-style: chr3-27721926-G-T. GRCh37 (hg19) VCF-style: chr3-27763417-G-T.
Other names: c.369C>A, p.Ala123= (NM_005442.4); c.-5+504C>A (NM_001278183.2).
Identifiers: ClinVar variation 3056950 (VCV003056950.2), dbSNP rs2060618098, ClinGen allele CA433058400.